The following is an entry in ClinVar:

ClinVar aggregate classification (germline): Benign. Review status: criteria provided, multiple submitters, no conflicts (2 of 4 stars). 4 submissions from 4 submitters: Benign (4). Last evaluated 2026-02-01.

Allele frequency attached by ClinVar (database versions not stated): gnomAD exomes 0.00124 and 0.00342; ExAC 0.00407; 1000 Genomes Project 0.01038; 1000 Genomes Project 30x 0.01187; gnomAD 0.01278 and 0.01396; TOPMed 0.01445; ESP Exome Variant Server 0.01484.

Submissions (4):

Labcorp Genetics (formerly Invitae), Labcorp
Classification: Benign. Last evaluated: 2026-02-01. Review status: criteria provided, single submitter. Criteria: Invitae Variant Classification Sherloc (09022015). Collection method: clinical testing. Allele origin: germline.

GeneDx
Classification: Benign. Last evaluated: 2018-02-13. Review status: criteria provided, single submitter. Criteria: GeneDx Variant Classification (06012015). Collection method: clinical testing. Allele origin: germline. Affected: yes.
Comment: This variant is considered likely benign or benign based on one or more of the following criteria: it is a conservative change, it occurs at a poorly conserved position in the protein, it is predicted to be benign by multiple in silico algorithms, and/or has population frequency not consistent with disease.

Laboratory for Molecular Medicine, Mass General Brigham Personalized Medicine
Classification: Benign. Last evaluated: 2017-08-23. Review status: criteria provided, single submitter. Criteria: LMM Criteria. Collection method: clinical testing. Allele origin: germline. Observed: 3 variant alleles.
Comment: p.Cys214Cys in exon 2 of S1PR2: This variant is not expected to have clinical si gnificance because it does not alter an amino acid residue, is not located withi n the splice consensus sequence, and has been identified in 4.54% (467/10282) of African chromosomes by the Exome Aggregation Consortium (ExAC; dbSNP rs79482117).

Breakthrough Genomics
Classification: Benign. Review status: criteria provided, single submitter. Criteria: ACMG Guidelines, 2015. Collection method: not provided. Allele origin: germline. Inheritance: Autosomal recessive inheritance. Affected: yes.

NM_004230.4(S1PR2):c.642C>T (p.Cys214=)

Gene: S1PR2 (sphingosine-1-phosphate receptor 2; minus strand). Cytogenetic location: 19p13.2.
Variant type: single nucleotide variant.
Coding change: c.642C>T on transcript NM_004230.4 (MANE Select); coding-DNA position 642, C replaced by T.
Protein change: p.Cys214=; no amino-acid change (cysteine 214 retained).
Molecular consequence: synonymous variant.
Genome position (GRCh38, 1-based): chr19:10,224,264, G>A on the plus strand (C>T on the coding strand, the complement: S1PR2 is on the minus strand). VCF-style: chr19-10224264-G-A. GRCh37 (hg19) VCF-style: chr19-10334940-G-A.
Other names: p.Cys214Cys.
Identifiers: ClinVar variation 514987 (VCV000514987.16), dbSNP rs79482117, ClinGen allele CA9189058.
Genomic context (GRCh38, chr19:10,224,264, plus strand): 5'-CGTCTTGAGCAGGGCTAGCGTCTGCGGGGCGGCCATGTCAGCGTGGCTTGAGCGGACCAC[G>A]CAGTAGATGCGCACGTACAGGGCCACGATGGCCAACAGGATGATGGAGAAGATGGTCACC-3'
Protein context (NP_004221.3, residues 204-224): AIVALYVRIY[Cys214=]VVRSSHADMA